The following is an entry in ClinVar:

NM_006308.3(HSPB3):c.229G>T (p.Val77Leu)

Gene: HSPB3 (heat shock protein family B (small) member 3; plus strand). Cytogenetic location: 5q11.2.
Variant type: single nucleotide variant.
Coding change: c.229G>T on transcript NM_006308.3 (MANE Select); coding-DNA position 229, G replaced by T.
Protein change: p.Val77Leu; replaces valine 77 with leucine.
Molecular consequence: missense variant.
Genome position (GRCh38, 1-based): chr5:54,456,018, G>T. VCF-style: chr5-54456018-G-T. GRCh37 (hg19) VCF-style: chr5-53751848-G-T.
Other names: short protein forms V77L.
Identifiers: ClinVar variation 538750 (VCV000538750.11), dbSNP rs148535965, ClinGen allele CA359797380.

ClinVar aggregate classification (germline): Uncertain significance (1 of 4 stars; one submission).

Conditions:
Neuronopathy, distal hereditary motor, type 2C. Also called: HMN IIC; NEUROPATHY, DISTAL HEREDITARY MOTOR, AUTOSOMAL DOMINANT 4; NEURONOPATHY, DISTAL HEREDITARY MOTOR, HARDING TYPE IIC; NEUROPATHY, DISTAL HEREDITARY MOTOR, HARDING TYPE IIC. Identifiers: Orphanet 139525, MedGen C3150619, MONDO:0013243, OMIM 613376.

Submission:

Labcorp Genetics (formerly Invitae), Labcorp
Classification: Uncertain significance for Neuronopathy, distal hereditary motor, type 2C. Last evaluated: 2019-06-26. Review status: criteria provided, single submitter. Criteria: Invitae Variant Classification Sherloc (09022015). Collection method: clinical testing. Allele origin: germline.
Comment: In summary, the available evidence is currently insufficient to determine the role of this variant in disease. Therefore, it has been classified as a Variant of Uncertain Significance. Algorithms developed to predict the effect of missense changes on protein structure and function (SIFT, PolyPhen-2, Align-GVGD) all suggest that this variant is likely to be disruptive, but these predictions have not been confirmed by published functional studies and their clinical significance is uncertain. This variant has not been reported in the literature in individuals with HSPB3-related disease. This variant is not present in population databases (ExAC no frequency). This sequence change replaces valine with leucine at codon 77 of the HSPB3 protein (p.Val77Leu). The valine residue is highly conserved and there is a small physicochemical difference between valine and leucine.